The following is an entry in ClinVar:

ClinVar aggregate classification (germline): Uncertain significance. Review status: criteria provided, multiple submitters, no conflicts (2 of 4 stars). 3 submissions from 3 submitters: Uncertain significance (3). Last evaluated 2022-08-23.

Conditions:
Inborn genetic diseases. Identifiers: MedGen C0950123, MeSH D030342.
Jeune thoracic dystrophy. Also called: Jeune syndrome; Infantile thoracic dystrophy; Thoracic pelvic phalangeal dystrophy; Jeune's syndrome; Chondroectodermal dysplasia-like syndrome; Short-rib thoracic dysplasia. Identifiers: Orphanet 474, MedGen C0265275, MONDO:0018770.

Allele frequency attached by ClinVar (database versions not stated): ESP Exome Variant Server 0.00008; TOPMed 0.00017; 1000 Genomes Project 30x 0.00031; 1000 Genomes Project 0.00040.
gnomAD v4.1: 51 of 1,609,014 alleles (0.0032%); highest among the groups gnomAD compares: African/African-American, 0.061%; no homozygotes.

Submissions (3):

Labcorp Genetics (formerly Invitae), Labcorp
Classification: Uncertain significance for Jeune thoracic dystrophy. Last evaluated: 2022-08-23. Review status: criteria provided, single submitter. Criteria: Invitae Variant Classification Sherloc (09022015). Collection method: clinical testing. Allele origin: germline.
Comment: This sequence change replaces aspartic acid, which is acidic and polar, with alanine, which is neutral and non-polar, at codon 3626 of the DYNC2H1 protein (p.Asp3626Ala). This variant is present in population databases (rs370414127, gnomAD 0.04%). This variant has not been reported in the literature in individuals affected with DYNC2H1-related conditions. ClinVar contains an entry for this variant (Variation ID: 811100). Advanced modeling of protein sequence and biophysical properties (such as structural, functional, and spatial information, amino acid conservation, physicochemical variation, residue mobility, and thermodynamic stability) performed at Invitae indicates that this missense variant is not expected to disrupt DYNC2H1 protein function. In summary, the available evidence is currently insufficient to determine the role of this variant in disease. Therefore, it has been classified as a Variant of Uncertain Significance.

Ambry Genetics
Classification: Uncertain significance for Inborn genetic diseases. Last evaluated: 2022-04-12. Review status: criteria provided, single submitter. Criteria: Ambry Variant Classification Scheme 2023. Collection method: clinical testing. Allele origin: germline.

ARUP Laboratories, Molecular Genetics and Genomics, ARUP Laboratories
Classification: Uncertain significance. Last evaluated: 2018-08-14. Review status: criteria provided, single submitter. Criteria: ARUP Molecular Germline Variant Investigation Process. Collection method: clinical testing. Allele origin: germline.
Comment: The DYNC2H1 c.10877A>C; p.Asp3626Ala variant (rs370414127), to our knowledge, is not reported in the medical literature or gene specific databases. This variant is found in the African population with an overall allele frequency of 0.04% (10/23,912 alleles) in the Genome Aggregation Database. The aspartic acid at codon 3626 is moderately conserved and computational analyses (SIFT, PolyPhen-2) predict that this variant is tolerated. Due to limited information, the clinical significance of the p.Asp3626Ala variant is uncertain at this time.

NM_001377.3(DYNC2H1):c.10856A>C (p.Asp3619Ala)

Gene: DYNC2H1 (dynein cytoplasmic 2 heavy chain 1; plus strand). Cytogenetic location: 11q22.3.
Variant type: single nucleotide variant.
Coding change: c.10856A>C on transcript NM_001377.3 (MANE Select); coding-DNA position 10856, A replaced by C.
Protein change: p.Asp3619Ala; replaces aspartic acid 3619 with alanine.
Molecular consequence: missense variant.
Genome position (GRCh38, 1-based): chr11:103,283,051, A>C. VCF-style: chr11-103283051-A-C. GRCh37 (hg19) VCF-style: chr11-103153780-A-C.
Other names: c.10877A>C, p.Asp3626Ala (NM_001080463.2); c.10877A>C (NM_001080463.1); short protein forms D3619A, D3626A.
Identifiers: ClinVar variation 811100 (VCV000811100.11), dbSNP rs370414127, ClinGen allele CA6255086.